The following is an entry in ClinVar:

NM_052947.4(ALPK2):c.4000A>G (p.Ser1334Gly)

Genes: ALPK2 (alpha kinase 2; minus strand), LOC126862764 (BRD4-independent group 4 enhancer GRCh37_chr18:56202574-56203773; plus strand). Cytogenetic location: 18q21.31.
Variant type: single nucleotide variant.
Coding change: c.4000A>G on transcript NM_052947.4 (MANE Select); coding-DNA position 4000, A replaced by G.
Protein change: p.Ser1334Gly; replaces serine 1334 with glycine.
Molecular consequence: missense variant.
Genome position (GRCh38, 1-based): chr18:58,536,187, T>C on the plus strand (A>G on the coding strand, the complement: ALPK2 is on the minus strand). VCF-style: chr18-58536187-T-C. GRCh37 (hg19) VCF-style: chr18-56203419-T-C.
Other names: short protein forms S1334G.
Identifiers: ClinVar variation 3290494 (VCV003290494.1).
Genomic context (GRCh38, chr18:58,536,187, plus strand): 5'-TGACAGATAACTCCTTTTCATCTACAGGGTCCACGGATGACTCCAGGAGTCTGGGTTGGC[T>C]GAAACCCCGGGAAGAAAGACTTCTCCAATGTACACTGATGGTGGGCTCTTCGCCTTTATG-3'
Protein context (NP_443179.3, residues 1324-1344): HWRSLSSRGF[Ser1334Gly]QPRLLESSVD

ClinVar aggregate classification (germline): Uncertain significance (1 of 4 stars; one submission).

Submission:

Ambry Genetics
Classification: Uncertain significance. Last evaluated: 2024-05-22. Review status: criteria provided, single submitter. Criteria: Ambry Variant Classification Scheme 2023. Collection method: clinical testing. Allele origin: germline.
Comment: The p.S1334G variant (also known as c.4000A>G), located in coding exon 4 of the ALPK2 gene, results from an A to G substitution at nucleotide position 4000. The serine at codon 1334 is replaced by glycine, an amino acid with similar properties. This amino acid position is conserved. In addition, this alteration is predicted to be tolerated by in silico analysis. Based on the available evidence, the clinical significance of this variant remains unclear.